The following is an entry in ClinVar:

NM_004519.4(KCNQ3):c.226G>A (p.Glu76Lys)

Gene: KCNQ3 (potassium voltage-gated channel subfamily Q member 3; minus strand). Cytogenetic location: 8q24.22.
Variant type: single nucleotide variant.
Coding change: c.226G>A on transcript NM_004519.4 (MANE Select); coding-DNA position 226, G replaced by A.
Protein change: p.Glu76Lys; replaces glutamic acid 76 with lysine.
Molecular consequence: missense variant.
Genome position (GRCh38, 1-based): chr8:132,480,307, C>T on the plus strand (G>A on the coding strand, the complement: KCNQ3 is on the minus strand). VCF-style: chr8-132480307-C-T. GRCh37 (hg19) VCF-style: chr8-133492554-C-T.
Other names: short protein forms E76K.
Identifiers: ClinVar variation 2138277 (VCV002138277.4), dbSNP rs747768821, ClinGen allele CA4880993.

ClinVar aggregate classification (germline): Uncertain significance (1 of 4 stars; one submission).

Conditions:
Benign neonatal seizures. Also called: Benign familial neonatal seizures; Benign neonatal familial convulsions; Convulsions benign familial neonatal dominant form; Autosomal dominant form of benign neonatal seizures; Benign familial neonatal epilepsy. Identifiers: Orphanet 1949, MedGen C0220669, MONDO:0016027.

Allele frequency attached by ClinVar (database versions not stated): TOPMed below 0.00001.

Submission:

Labcorp Genetics (formerly Invitae), Labcorp
Classification: Uncertain significance for Benign neonatal seizures. Last evaluated: 2022-04-11. Review status: criteria provided, single submitter. Criteria: Invitae Variant Classification Sherloc (09022015). Collection method: clinical testing. Allele origin: germline.
Comment: In summary, the available evidence is currently insufficient to determine the role of this variant in disease. Therefore, it has been classified as a Variant of Uncertain Significance. Advanced modeling of protein sequence and biophysical properties (such as structural, functional, and spatial information, amino acid conservation, physicochemical variation, residue mobility, and thermodynamic stability) performed at Invitae indicates that this missense variant is not expected to disrupt KCNQ3 protein function. This variant has not been reported in the literature in individuals affected with KCNQ3-related conditions. The frequency data for this variant in the population databases is considered unreliable, as metrics indicate poor data quality at this position in the gnomAD database. This sequence change replaces glutamic acid, which is acidic and polar, with lysine, which is basic and polar, at codon 76 of the KCNQ3 protein (p.Glu76Lys).